The following is an entry in ClinVar:

NM_012203.2:c.215_493del

Gene: GRHPR (glyoxylate and hydroxypyruvate reductase; plus strand).
Variant type: Deletion.
Other names: c.215_493del (NM_012203.2).
Identifiers: ClinVar variation 2664100 (VCV002664100.1).

ClinVar aggregate classification (germline): Pathogenic (1 of 4 stars; one submission).

Conditions:
Primary hyperoxaluria, type II (HP2). Also called: OXALOSIS II; Primary hyperoxaluria type 2; D-GLYCERATE DEHYDROGENASE DEFICIENCY; GLYCERIC ACIDURIA; GLYOXYLATE REDUCTASE/HYDROXYPYRUVATE REDUCTASE DEFICIENCY. Identifiers: Orphanet 416, Orphanet 93599, MedGen C0268165, MONDO:0009824, OMIM 260000. Disease mechanism: loss of function.

Submission:

Rare Kidney Stone Consortium and the Mayo Clinic Hyperoxaluria Center, Mayo Clinic
Classification: Pathogenic for Primary hyperoxaluria, type II. Last evaluated: 2023-10-27. Review status: criteria provided, single submitter. Criteria: ACMG Guidelines, 2015. Collection method: clinical testing. Allele origin: germline. Affected: yes.
Comment: ACMG:PSV1 PM2 PM3 PP4

Literature cited by the submitters: PubMed 34805638.